The following is an entry in ClinVar:

NM_003361.4(UMOD):c.317G>A (p.Cys106Tyr)

Gene: UMOD (uromodulin; minus strand). Cytogenetic location: 16p12.3.
Variant type: single nucleotide variant.
Coding change: c.317G>A on transcript NM_003361.4 (MANE Select); coding-DNA position 317, G replaced by A.
Protein change: p.Cys106Tyr; replaces cysteine 106 with tyrosine.
Molecular consequence: missense variant. On other transcripts: non-coding transcript variant (1).
Genome position (GRCh38, 1-based): chr16:20,348,984, C>T on the plus strand (G>A on the coding strand, the complement: UMOD is on the minus strand). VCF-style: chr16-20348984-C-T. GRCh37 (hg19) VCF-style: chr16-20360306-C-T.
Other names: c.317G>A, p.Cys106Tyr (NM_001008389.3, NM_001378232.1, NM_001378233.1 and 3 more transcripts); c.416G>A, p.Cys139Tyr (NM_001278614.2); short protein forms C106Y, C139Y.
Identifiers: ClinVar variation 807521 (VCV000807521.35), dbSNP rs398123697, ClinGen allele CA394986605.

ClinVar aggregate classification (germline): Pathogenic/Likely pathogenic. Review status: criteria provided, multiple submitters, no conflicts (2 of 4 stars). 8 submissions from 8 submitters: Pathogenic (5); Likely pathogenic (1). 2 of the submissions do not count toward it. Last evaluated 2024-07-01.

Conditions:
Autosomal dominant medullary cystic kidney disease with or without hyperuricemia. Identifiers: Orphanet 34149, MedGen C4511620, MONDO:0008264.
Familial juvenile hyperuricemic nephropathy type 1 (ADTKD1). Also called: Glomerulocystic kidney disease with hyperuricemia and isosthenuria; Medullary cystic kidney disease 2; Autosomal Dominant Tubulointerstitial Kidney Disease – UMOD; UMOD-Associated Kidney Disease; Uromodulin-associated kidney disease. Identifiers: Orphanet 209886, Orphanet 34149, Orphanet 88950, MedGen C4551496, MONDO:0008073, OMIM 162000.

Submissions (8):

CeGaT Center for Human Genetics Tuebingen
Classification: Pathogenic. Last evaluated: 2024-07-01. Review status: criteria provided, single submitter. Criteria: CeGaT Center For Human Genetics Tuebingen Variant Classification Criteria Version 2. Collection method: clinical testing. Allele origin: germline. Affected: yes. Observed: 1 variant allele.
Comment: UMOD: PM1:Strong, PM2, PM5, PS4:Moderate

Institute of Human Genetics Munich, TUM University Hospital
Classification: Pathogenic for Familial juvenile hyperuricemic nephropathy type 1. Last evaluated: 2024-05-07. Review status: criteria provided, single submitter. Criteria: Classification criteria August 2017. Collection method: clinical testing. Allele origin: germline. Inheritance: Autosomal dominant inheritance. Affected: yes. Observed: 1 variant allele.

Molecular Genetics, Royal Melbourne Hospital
Classification: Pathogenic for Autosomal dominant medullary cystic kidney disease with or without hyperuricemia. Last evaluated: 2024-01-05. Review status: criteria provided, single submitter. Criteria: ACMG Guidelines, 2015. Collection method: clinical testing. Allele origin: germline. Inheritance: Autosomal dominant inheritance. Affected: yes.
Comment: This sequence change in UMOD is predicted to replace cysteine with tyrosine at codon 106, p.(Cys106Tyr). The cysteine residue is highly conserved (100 vertebrates, Multiz Alignments), and disrupts a cysteine residue involved in a disulphide bond in the calcium-binding EGF domain (PMID: 23748428). There is a large physicochemical difference between cysteine and tyrosine. This variant is absent from the population database gnomAD v4.0. This variant has been reported in individuals with tubulointerstitial nephropathy and segregates with disease (PMID: 20172860, 29204651, 31822006, 32954071; ClinVar: SCV001449472.1, SCV003841615.1, SCV001149980.1; Royal Melbourne Hospital). Computational evidence predicts a deleterious effect for the missense substitution (REVEL = 0.906). Another missense variant c.317G>T p.(Cys106Phe) in the same codon has been classified as likely pathogenic/pathogenic for tubulointerstitial nephropathy (ClinVar Variation ID: 94129; PMID: 32274456, 32926855). Based on the classification scheme RMH Modified ACMG/AMP Guidelines v1.6.1, this variant is classified as PATHOGENIC. Following criteria are met: PM1, PS4_Moderate, PM5, PP1_Moderate, PP3, PM2_Supporting

3billion
Classification: Pathogenic for Familial juvenile hyperuricemic nephropathy type 1. Last evaluated: 2023-02-23. Review status: criteria provided, single submitter. Criteria: ACMG Guidelines, 2015. Collection method: clinical testing. Allele origin: unknown. Affected: yes.
Comment: The variant is not observed in the gnomAD v2.1.1 dataset. The variant is located in a mutational hot spot and/or well-established functional domain in which established pathogenic variants have been reported. Missense changes are a common disease-causing mechanism. In silico tool predictions suggest damaging effect of the variant on gene or gene product (REVEL: 0.88; 3Cnet: 1.00). Same nucleotide change resulting in same amino acid change has been previously reported as pathogenic/likely pathogenic with strong evidence (ClinVar ID: VCV000807521). A different missense change at the same codon (p.Cys106Phe) has been reported as pathogenic/likely pathogenic with strong evidence (ClinVar ID: VCV000094129). Therefore, this variant is classified as Pathogenic according to the recommendation of ACMG/AMP guideline.

Fulgent Genetics
Classification: Pathogenic for Familial juvenile hyperuricemic nephropathy type 1. Last evaluated: 2022-01-03. Review status: criteria provided, single submitter. Criteria: ACMG Guidelines, 2015. Collection method: clinical testing. Allele origin: unknown.

Victorian Clinical Genetics Services, Murdoch Childrens Research Institute
Classification: Likely pathogenic for Familial juvenile hyperuricemic nephropathy type 1. Last evaluated: 2020-05-26. Review status: criteria provided, single submitter. Criteria: ACMG Guidelines, 2015. Collection method: clinical testing. Allele origin: germline. Inheritance: Autosomal dominant inheritance.
Comment: Based on the classification scheme VCGS_Germline_v1.1.1, this variant is classified as Likely Pathogenic. Following criteria are met: 0102 - Loss-of-function is a known mechanism of disease for this gene. (N) 0107 - This gene is known to be associated with autosomal dominant disease. (N) 0200 - Variant is predicted to result in a missense amino acid change from cysteine to tyrosine (exon 3). (N) 0251 - Variant is heterozygous. (N) 0301 - Variant is absent from gnomAD. (P) 0309 - An alternative amino acid change at the same position has been observed in gnomAD (2 heterozygotes, 0 homozygotes). (N) 0501 - Missense variant consistently predicted to be damaging by multiple in silico tools or highly conserved with a major amino acid change. (P) 0600 - Variant is located in an annotated domain or motif (2nd EGF-like domain; NCBI, Decipher). (N) 0704 - Comparable variant has low previous evidence for pathogenicity. A different variant in the same codon resulting in a change to phenylalanine has also been reported pathogenic (ClinVar, PMID: 29204651). (P) 0803 - Low previous evidence of pathogenicity in unrelated individuals. This variant has been previously reported as pathogenic in patients with Uromodulin-associated kidney disease (UAKD) (PMID: 20172860) and chronic kidney disease, tubulointerstitial kidney disease, gout and hyperuricaemic nephropathy (PMID: 30773290, PMID: 31509055). (P) 1002 - Moderate functional evidence supporting abnormal protein function. Cysteines in UMOD gene are involved in structurally important disulphide bridges. The interruption of these bonds has been proven for multiple variants affecting cysteines, leading to impaired trafficking of the protein to the cell membrane (PMID: 23748428, PMID: 28781372). (P) 1208 - Inheritance information for this variant is not currently available. (N) Legend: (P) - Pathogenic, (N) - Neutral, (B) – Benign

Yale Center for Mendelian Genomics, Yale University
Classification: Likely pathogenic for Familial juvenile hyperuricemic nephropathy type 1. Last evaluated: 2019-02-14. Review status: no assertion criteria provided. Collection method: literature only. Allele origin: germline. Affected: yes. Observed: 2 heterozygotes. Study: Yale Center for Mendelian Genomics. Not counted in ClinVar's aggregate classification.

Sydney Genome Diagnostics, Children's Hospital Westmead
Classification: Likely pathogenic for Autosomal dominant medullary cystic kidney disease with or without hyperuricemia. Last evaluated: 2017-09-15. Review status: no assertion criteria provided. Collection method: clinical testing. Allele origin: unknown. Affected: yes. Observed: 1 variant allele, 1 heterozygote. Not counted in ClinVar's aggregate classification.
Comment: To our knowledge, this variant has not been reported in any population databases (i.e. ExAC, ESP or dbSNP). The c.317G>A p.(Cys106Tyr) has been reported in a patient with uromodulin associated kidney disease (Zaucke et al. Hum Mol Genet 2010; 19(10): 1985-1997). The p.Cys106 residue is a highly conserved amino acid (up to 12 species) and there is also a large physicochemical difference between the wild type cysteine and mutant tyrosine. In silico analysis (Alamut Visual v2.8.1) using SIFT, PolyPhen2 and MutationTaster all predict that this variant is likely to be pathogenic. This variant is considered to be likely pathogenic according to the ACMG guidelines.

Literature cited by the submitters: PubMed 20172860 (cited by Molecular Genetics, Royal Melbourne Hospital and Victorian Clinical Genetics Services, Murdoch Childrens Research Institute); PubMed 23748428 (cited by Molecular Genetics, Royal Melbourne Hospital and Victorian Clinical Genetics Services, Murdoch Childrens Research Institute); PubMed 29204651 (cited by Molecular Genetics, Royal Melbourne Hospital and Victorian Clinical Genetics Services, Murdoch Childrens Research Institute); PubMed 31822006 (cited by Molecular Genetics, Royal Melbourne Hospital); PubMed 32274456 (cited by Molecular Genetics, Royal Melbourne Hospital); PubMed 32926855 (cited by Molecular Genetics, Royal Melbourne Hospital); PubMed 32954071 (cited by Molecular Genetics, Royal Melbourne Hospital); PubMed 28781372 (cited by Victorian Clinical Genetics Services, Murdoch Childrens Research Institute); PubMed 30773290 (cited by Victorian Clinical Genetics Services, Murdoch Childrens Research Institute and Yale Center for Mendelian Genomics, Yale University); PubMed 31509055 (cited by Victorian Clinical Genetics Services, Murdoch Childrens Research Institute).